The following is an entry in ClinVar:

NM_000053.4(ATP7B):c.1922T>C (p.Leu641Ser)

Gene: ATP7B (ATPase copper transporting beta; minus strand). Cytogenetic location: 13q14.3.
Variant type: single nucleotide variant.
Coding change: c.1922T>C on transcript NM_000053.4 (MANE Select); coding-DNA position 1922, T replaced by C.
Protein change: p.Leu641Ser; replaces leucine 641 with serine.
Molecular consequence: missense variant. On other transcripts: intron variant (2).
Genome position (GRCh38, 1-based): chr13:51,961,861, A>G on the plus strand (T>C on the coding strand, the complement: ATP7B is on the minus strand). VCF-style: chr13-51961861-A-G. GRCh37 (hg19) VCF-style: chr13-52535997-A-G.
Other names: c.1589T>C, p.Leu530Ser (NM_001243182.2); c.1922T>C, p.Leu641Ser (NM_001330578.2); c.1869+3011T>C (NM_001005918.3, NM_001330579.2); short protein forms L641S, L530S.
Identifiers: ClinVar variation 420002 (VCV000420002.89), dbSNP rs186924074, ClinGen allele CA6989172.
Genomic context (GRCh38, chr13:51,961,861, plus strand): 5'-ATGAGAGCTGGAGTTTATCTTTTGTGTTCTACCTACTGCTTTATTTCCATCTTGTGGTCC[A>G]AGTGATGAGCGTTGGGGTTTCTCTGGGCCAGGGAAGCATGAAAGCCAATTTCCTTGTCAT-3'
Protein context (NP_000044.2, residues 631-651): LAQRNPNAHH[Leu641Ser]DHKMEIKQWK

ClinVar aggregate classification (germline): Conflicting classifications of pathogenicity. Review status: criteria provided, conflicting classifications (1 of 4 stars). 16 submissions from 16 submitters: Likely pathogenic (1); Uncertain significance (14); Likely benign (1). Last evaluated 2026-10-09.

Conditions:
Inborn genetic diseases. Identifiers: MedGen C0950123, MeSH D030342.
Wilson disease (WND). Also called: Wilson's disease. Identifiers: Orphanet 905, MedGen C0019202, MONDO:0010200, OMIM 277900. Disease mechanism: loss of function.

Allele frequency attached by ClinVar (database versions not stated): ESP Exome Variant Server 0.00033; ExAC 0.00039; 1000 Genomes Project 0.00040; gnomAD exomes 0.00049 and 0.00086; gnomAD 0.00058 and 0.00059; 1000 Genomes Project 30x 0.00062; TOPMed 0.00067.
gnomAD v4.1: 1,337 of 1,614,082 alleles (0.083%); highest among the groups gnomAD compares: Non-Finnish European, 0.1%; 2 homozygotes.

Submissions 1 to 9 of 16:

GeneDx
Classification: Uncertain significance. Last evaluated: 2026-10-09. Review status: criteria provided, single submitter. Criteria: GeneDx Variant Classification Process June 2021. Collection method: clinical testing. Allele origin: germline.
Comment: Published functional studies demonstrated that p.(L641S) behaved similarly to the wild-type protein (PMID: 24706876, 17919502); In silico analysis supports that this missense variant has a deleterious effect on protein structure/function; This variant is associated with the following publications: (PMID: 15967699, 23518715, 17919502, 18371106, 34426522, Cumpata2022[Review], 34400371, 36096368, 34620762, 35132767, 30097039, 32248359, 39502306, 24253677, 22677543, 16088907, 24706876, 38532509, 40661833)

Women's Health and Genetics/Laboratory Corporation of America, LabCorp
Classification: Uncertain significance. Last evaluated: 2026-04-01. Review status: criteria provided, single submitter. Criteria: LabCorp Variant Classification Summary - May 2015. Collection method: clinical testing. Allele origin: germline.
Comment: Variant summary: ATP7B c.1922T>C (p.Leu641Ser) results in a non-conservative amino acid change in the encoded protein sequence. The variant allele was found at a frequency of 0.0005 in 251632 control chromosomes. This frequency is not significantly higher than estimated for disease-causing variants in ATP7B, allowing no conclusion about variant significance. c.1922T>C has been reported in the literature in individuals affected with Wilson Disease (example: Cox_2005, Vrabelova_2005, Bost_2012, Ferenci_2019, Nayagam_2023), however, in most of these cases no full gene sequencing was performed, and/or the other pathogenic variant in trans was not specified and/or phase was not provided. These data therefore do not allow clear conclusions about the variant significance. Publications also reported experimental evidence evaluating an impact on protein function. These results showed no damaging effect of this variant on protein localization, copper transport activity, and copper-responsive trafficking (Braiterman_2014, Calvo_2025) and no effect on interaction with COMMD1 (de Bie_2007). The following publications have been ascertained in the context of this evaluation (PMID: 22677543, 24706876, 23518715, 30097039, 16088907, 30232804, 18371106, 31449670, 15967699, 32248359, 17919502, 34400371, 36096368, 40661833). ClinVar contains an entry for this variant (Variation ID: 420002). Based on the evidence outlined above, the variant was classified as uncertain significance.

Mayo Clinic Laboratories, Mayo Clinic
Classification: Uncertain significance. Last evaluated: 2025-10-23. Review status: criteria provided, single submitter. Criteria: ACMG Guidelines, 2015. Collection method: clinical testing. Allele origin: germline. Observed: 5 variant alleles.
Comment: BS3, PP3_moderate, PS4_moderate

Color Diagnostics, LLC DBA Color Health
Classification: Uncertain significance for Wilson disease. Last evaluated: 2025-06-05. Review status: criteria provided, single submitter. Criteria: ACMG Guidelines, 2015. Collection method: clinical testing. Allele origin: germline.
Comment: This missense variant replaces leucine with serine at codon 641 of the ATP7B protein. Computational prediction suggests that this variant may have deleterious impact on protein structure and function. Functional studies have shown that this variant does not impact protein expression, copper transport activity, and binding to COMMD1 (PMID: 17919502, 24706876). This variant has been reported in individuals affected with Wilson disease (PMID: 15967699, 16088907, 22677543, 23518715, 30232804, 34400371) as well as in unaffected individuals (PMID: 30097039, 34620762). This variant has been identified in 130/280986 chromosomes in the general population by the Genome Aggregation Database (gnomAD). The available evidence is insufficient to determine the role of this variant in disease conclusively. Therefore, this variant is classified as a Variant of Uncertain Significance.

Blueprint Genetics
Classification: Uncertain significance. Last evaluated: 2024-10-25. Review status: criteria provided, single submitter. Criteria: ACMG Guidelines, 2015. Collection method: clinical testing. Allele origin: germline.

All of Us Research Program, National Institutes of Health
Classification: Uncertain significance for Wilson disease. Last evaluated: 2024-09-23. Review status: criteria provided, single submitter. Criteria: ACMG Guidelines, 2015. Collection method: clinical testing. Allele origin: germline. Inheritance: Autosomal recessive inheritance. Observed: 224 variant alleles, 224 heterozygotes.
Comment: This missense variant replaces leucine with serine at codon 641 of the ATP7B protein. Computational prediction suggests that this variant may have deleterious impact on protein structure and function (internally defined REVEL score threshold >= 0.7, PMID: 27666373). Functional studies have shown that this variant does not impact protein expression, copper transport activity, and binding to COMMD1 (PMID: 17919502, 24706876). This variant has been reported in individuals affected with Wilson disease (PMID: 15967699, 16088907, 22677543, 23518715, 30232804, 34400371) as well as in unaffected individuals (PMID: 30097039, 34620762). This variant has been identified in 130/280986 chromosomes in the general population by the Genome Aggregation Database (gnomAD). The available evidence is insufficient to determine the role of this variant in disease conclusively. Therefore, this variant is classified as a Variant of Uncertain Significance.

This study involves interpretation of variants in research participants for the purpose of population health screening. Participant phenotype was not available at the time of variant classification. Additional details can be found in publication PMID: 35346344, PMCID: PMC8962531

Lildballe Lab, Aarhus University Hospital
Classification: Likely pathogenic for Wilson disease. Last evaluated: 2024-08-29. Review status: criteria provided, single submitter. Criteria: ACMG Guidelines, 2015. Collection method: clinical testing. Allele origin: germline. Affected: yes.
Comment: PM3, PM2, PP3, PP2

Fulgent Genetics
Classification: Uncertain significance for Wilson disease. Last evaluated: 2024-06-13. Review status: criteria provided, single submitter. Criteria: ACMG Guidelines, 2015. Collection method: clinical testing. Allele origin: germline.

ARUP Laboratories, Molecular Genetics and Genomics, ARUP Laboratories
Classification: Uncertain significance for Wilson disease. Last evaluated: 2024-06-03. Review status: criteria provided, single submitter. Criteria: ARUP Molecular Germline Variant Investigation Process 2024. Collection method: clinical testing. Allele origin: germline.
Comment: The ATP7B c.1922T>C; p.Leu641Ser variant (rs186924074; ClinVar Variation ID: 420002) is reported in the literature in individuals affected with Wilson disease (Bost 2012, Coffey 2013, Couchonnal 2021, Cox 2005, Ferenci 2019, Nayagam 2023, Vrabelova 2005) but also in presumed healthy cohorts (Collet 2018, Lorente-Arencibia 2022). This variant is found in the general population with an overall allele frequency of 0.046% (130/280,986 alleles) in the Genome Aggregation Database (v2.1.1). Computational analyses predict that this variant is deleterious (REVEL: 0.93). However, functional analyses of the variant protein show similar copper trafficking compared to wild type (Braiterman 2014, de Bie 2007). Due to conflicting information, the clinical significance of the p.Leu641Ser variant is uncertain at this time. References: Bost M et al. Molecular analysis of Wilson patients: direct sequencing and MLPA analysis in the ATP7B gene and Atox1 and COMMD1 gene analysis. J Trace Elem Med Biol. 2012;26(2-3):97-101. PMID: 22677543. Braiterman LT et al. Distinct phenotype of a Wilson disease mutation reveals a novel trafficking determinant in the copper transporter ATP7B. Proc Natl Acad Sci U S A. 2014;111(14):E1364-E1373. PMID: 24706876. Coffey AJ et al. A genetic study of Wilson's disease in the United Kingdom. Brain. 2013;136(Pt 5):1476-1487. PMID: 23518715. Collet C et al. High genetic carrier frequency of Wilson's disease in France: discrepancies with clinical prevalence. BMC Med Genet. 2018 Aug 10;19(1):143. PMID: 30097039. Couchonnal E et al. ATP7B variant spectrum in a French pediatric Wilson disease cohort. Eur J Med Genet. 2021 Oct;64(10):104305. PMID: 34400371. Cox DW et al. Twenty-four novel mutations in Wilson disease patients of predominantly European ancestry. Hum Mutat. 2005;26(3):280. PMID: 16088907. de Bie P et al. Distinct Wilson's disease mutations in ATP7B are associated with enhanced binding to COMMD1 and reduced stability of ATP7B. Gastroenterology. 2007;133(4):1316-1326. PMID: 17919502. Ferenci P et al. Age and Sex but Not ATP7B Genotype Effectively Influence the Clinical Phenotype of Wilson Disease. Hepatology. 2019 Apr;69(4):1464-1476. PMID: 30232804. Lorente-Arencibia P et al. Wilson Disease Prevalence: Discrepancy Between Clinical Records, Registries and Mutation Carrier Frequency. J Pediatr Gastroenterol Nutr. 2022 Feb 1;74(2):192-199. PMID: 34620762. Nayagam JS et al. ATP7B Genotype and Chronic Liver Disease Treatment Outcomes in Wilson Disease: Worse Survival With Loss-of-Function Variants. Clin Gastroenterol Hepatol. 2023 May;21(5):1323-1329.e4. PMID: 36096368. Vrabelova S et al. Mutation analysis of the ATP7B gene and genotype/phenotype correlation in 227 patients with Wilson disease. Mol Genet Metab. 2005;86(1-2):277-285. PMID: 15967699.